The following is an entry in ClinVar:

NM_016188.5(ACTL6B):c.407_410dup (p.Met137fs)

Gene: ACTL6B (actin like 6B; minus strand). Cytogenetic location: 7q22.1.
Variant type: Duplication.
Coding change: c.407_410dup on transcript NM_016188.5 (MANE Select); coding-DNA positions 407 to 410, 4 bases duplicated (TGAT; older notation c.407_410dupTGAT).
Protein change: p.Met137fs; shifts the reading frame from methionine 137.
Molecular consequence: frameshift variant. On other transcripts: non-coding transcript variant (1).
Genome position (GRCh38, 1-based): chr7:100,650,095-100,650,098, ATCA duplicated on the plus strand (TGAT on the coding strand, the reverse complement: ACTL6B is on the minus strand). VCF-style (leftmost placement, unchanged base first): chr7-100650094-C-CATCA. GRCh37 (hg19) VCF-style: chr7-100247717-C-CATCA.
Other names: short protein forms M137fs.
Identifiers: ClinVar variation 933910 (VCV000933910.7), dbSNP rs1803908698, ClinGen allele CA1139660147.

ClinVar aggregate classification (germline): Pathogenic (1 of 4 stars; one submission).

Submission:

Labcorp Genetics (formerly Invitae), Labcorp
Classification: Pathogenic. Last evaluated: 2019-10-16. Review status: criteria provided, single submitter. Criteria: Invitae Variant Classification Sherloc (09022015). Collection method: clinical testing. Allele origin: germline.
Comment: For these reasons, this variant has been classified as Pathogenic. Loss-of-function variants in ACTL6B are known to be pathogenic (PMID: 31031012). This variant has not been reported in the literature in individuals with ACTL6B-related conditions. This variant is not present in population databases (ExAC no frequency). This sequence change creates a premature translational stop signal (p.Met137Ilefs*46) in the ACTL6B gene. It is expected to result in an absent or disrupted protein product.

Literature cited by the submitters: PubMed 31031012.